The following is an entry in ClinVar:

ClinVar aggregate classification (germline): Uncertain significance (1 of 4 stars; one submission).

Conditions:
Inborn genetic diseases. Identifiers: MedGen C0950123, MeSH D030342.

Submission:

Ambry Genetics
Classification: Uncertain significance for Inborn genetic diseases. Last evaluated: 2021-12-11. Review status: criteria provided, single submitter. Criteria: Ambry Variant Classification Scheme 2023. Collection method: clinical testing. Allele origin: germline.
Comment: The p.L2248F variant (also known as c.6744G>T), located in coding exon 45 of the LRRK2 gene, results from a G to T substitution at nucleotide position 6744. The leucine at codon 2248 is replaced by phenylalanine, an amino acid with highly similar properties. This amino acid position is conserved. In addition, this alteration is predicted to be tolerated by in silico analysis. Since supporting evidence is limited at this time, the clinical significance of this alteration remains unclear.

NM_198578.4(LRRK2):c.6744G>T (p.Leu2248Phe)

Gene: LRRK2 (leucine rich repeat kinase 2; plus strand). Cytogenetic location: 12q12.
Variant type: single nucleotide variant.
Coding change: c.6744G>T on transcript NM_198578.4 (MANE Select); coding-DNA position 6744, G replaced by T.
Protein change: p.Leu2248Phe; replaces leucine 2248 with phenylalanine.
Molecular consequence: missense variant.
Genome position (GRCh38, 1-based): chr12:40,354,466, G>T. VCF-style: chr12-40354466-G-T. GRCh37 (hg19) VCF-style: chr12-40748268-G-T.
Other names: short protein forms L2248F.
Identifiers: ClinVar variation 1755203 (VCV001755203.2), dbSNP rs2499993927, ClinGen allele CA384409564.